The following is an entry in ClinVar:

NC_000007.13:g.(?_151573572)_(151573705_?)dup

Gene: PRKAG2 (protein kinase AMP-activated non-catalytic subunit gamma 2; minus strand). Cytogenetic location: 7q36.1.
Variant type: Duplication.
Identifiers: ClinVar variation 3245744 (VCV003245744.1).

ClinVar aggregate classification (germline): Uncertain significance (1 of 4 stars; one submission).

Conditions:
Lethal congenital glycogen storage disease of heart. Also called: GLYCOGEN STORAGE DISEASE OF HEART; PHOSPHORYLASE KINASE DEFICIENCY OF HEART. Identifiers: Orphanet 439854, MedGen C1849813, MONDO:0009867, OMIM 261740.

Submission:

Labcorp Genetics (formerly Invitae), Labcorp
Classification: Uncertain significance for Lethal congenital glycogen storage disease of heart. Last evaluated: 2023-03-10. Review status: criteria provided, single submitter. Criteria: Invitae Variant Classification Sherloc (09022015). Collection method: clinical testing. Allele origin: unknown.
Comment: In summary, the available evidence is currently insufficient to determine the role of this variant in disease. Therefore, it has been classified as a Variant of Uncertain Significance. Experimental studies and prediction algorithms are not available or were not evaluated, and the functional significance of this variant is currently unknown. This variant has not been reported in the literature in individuals affected with PRKAG2-related conditions. This variant results in a copy number gain of the genomic region encompassing exon(s) 1 of the PRKAG2 gene. This region includes the initiator codon of the gene. This copy number gain extends beyond the assayed region for this gene and therefore may encompass additional genes. As the precise location of this event is unknown, it may be in tandem or it may be located elsewhere in the genome.